The following is an entry in ClinVar:

NM_000069.2(CACNA1S):c.-476G>A

Gene: CACNA1S (calcium voltage-gated channel subunit alpha1 S; minus strand). Cytogenetic location: 1q32.1.
Variant type: single nucleotide variant.
Coding change: c.-476G>A on transcript NM_000069.2; 476 bases upstream of the start codon, G replaced by A.
Genome position (GRCh38, 1-based): chr1:201,112,815, C>T on the plus strand (G>A on the coding strand, the complement: CACNA1S is on the minus strand). VCF-style: chr1-201112815-C-T. GRCh37 (hg19) VCF-style: chr1-201081943-C-T.
Other names: -476G-A (rs2281845).
Identifiers: ClinVar variation 17627 (VCV000017627.4), dbSNP rs2281845, ClinGen allele CA127308.

ClinVar aggregate classification (germline): Benign. Review status: criteria provided, multiple submitters, no conflicts (2 of 4 stars). 3 submissions from 3 submitters: Benign (2). 1 of the submissions does not count toward it. Last evaluated 2018-06-14.

Conditions:
Thyrotoxic periodic paralysis, susceptibility to, 1 (TTPP1). Identifiers: Orphanet 79102, MedGen C2749982, MONDO:0008570, OMIM 188580.

Allele frequency attached by ClinVar (database versions not stated): 1000 Genomes Project 0.58886; 1000 Genomes Project 30x 0.58901; gnomAD 0.50680 and 0.50749; TOPMed 0.52701.

Submissions (3):

GeneDx
Classification: Benign. Last evaluated: 2018-06-14. Review status: criteria provided, single submitter. Criteria: GeneDx Variant Classification (06012015). Collection method: clinical testing. Allele origin: germline. Affected: yes.
Comment: This variant is considered likely benign or benign based on one or more of the following criteria: it is a conservative change, it occurs at a poorly conserved position in the protein, it is predicted to be benign by multiple in silico algorithms, and/or has population frequency not consistent with disease.

Breakthrough Genomics
Classification: Benign. Review status: criteria provided, single submitter. Criteria: ACMG Guidelines, 2015. Collection method: not provided. Allele origin: germline. Inheritance: Autosomal dominant inheritance. Affected: yes.

OMIM
Classification: risk factor for THYROTOXIC PERIODIC PARALYSIS, SUSCEPTIBILITY TO, 1. Last evaluated: 2004-03-01. Review status: no assertion criteria provided. Collection method: literature only. Allele origin: germline. Not counted in ClinVar's aggregate classification.

Literature cited by the submitters: PubMed 15001631 (cited by OMIM).